The following is an entry in ClinVar:

ClinVar aggregate classification (germline): Uncertain significance (1 of 4 stars; one submission).

Conditions:
Catecholaminergic polymorphic ventricular tachycardia (CVPT). Also called: Catecholamine-induced polymorphic ventricular tachycardia. Identifiers: Orphanet 3286, MedGen C5574922, MONDO:0017990.

Submission:

All of Us Research Program, National Institutes of Health
Classification: Uncertain significance for Catecholaminergic polymorphic ventricular tachycardia. Last evaluated: 2023-05-04. Review status: criteria provided, single submitter. Criteria: ACMG Guidelines, 2015. Collection method: clinical testing. Allele origin: germline. Inheritance: Autosomal dominant inheritance. Observed: 1 variant allele, 1 heterozygote.
Comment: This variant is located in the RYR2 protein. To our knowledge, functional studies have not been reported for this variant. This variant has not been reported in individuals affected with RYR2-related disorders in the literature. This variant has not been identified in the general population by the Genome Aggregation Database (gnomAD). The available evidence is insufficient to determine the role of this variant in disease conclusively. Therefore, this variant is classified as a Variant of Uncertain Significance.

This study involves interpretation of variants in research participants for the purpose of population health screening. Participant phenotype was not available at the time of variant classification. Additional details can be found in publication PMID: 35346344, PMCID: PMC8962531

NM_001035.3(RYR2):c.13779G>A (p.Leu4593=)

Gene: RYR2 (ryanodine receptor 2; plus strand). Cytogenetic location: 1q43.
Variant type: single nucleotide variant.
Coding change: c.13779G>A on transcript NM_001035.3 (MANE Select); coding-DNA position 13779, G replaced by A.
Protein change: p.Leu4593=; no amino-acid change (leucine 4593 retained).
Molecular consequence: synonymous variant.
Genome position (GRCh38, 1-based): chr1:237,792,320, G>A. VCF-style: chr1-237792320-G-A. GRCh37 (hg19) VCF-style: chr1-237955620-G-A.
Identifiers: ClinVar variation 3070797 (VCV003070797.1), dbSNP rs2527922455, ClinGen allele CA423827498.